The following is an entry in ClinVar:

NM_000038.6(APC):c.6624A>C (p.Glu2208Asp)

Gene: APC (APC regulator of Wnt signaling pathway; plus strand). Cytogenetic location: 5q22.2.
Variant type: single nucleotide variant.
Coding change: c.6624A>C on transcript NM_000038.6 (MANE Select); coding-DNA position 6624, A replaced by C.
Protein change: p.Glu2208Asp; replaces glutamic acid 2208 with aspartic acid.
Molecular consequence: missense variant.
Genome position (GRCh38, 1-based): chr5:112,842,218, A>C. VCF-style: chr5-112842218-A-C. GRCh37 (hg19) VCF-style: chr5-112177915-A-C.
Other names: c.6624A>C, p.Glu2208Asp (NM_001127510.3, NM_001354895.2, NM_001407450.1); c.6570A>C, p.Glu2190Asp (NM_001127511.3); c.6678A>C, p.Glu2226Asp (NM_001354896.2, NM_001407447.1, NM_001407448.1 and 1 more transcripts); c.6654A>C, p.Glu2218Asp (NM_001354897.2); c.6549A>C, p.Glu2183Asp (NM_001354898.2); c.6540A>C, p.Glu2180Asp (NM_001354899.2); c.6501A>C, p.Glu2167Asp (NM_001354900.2); c.6447A>C, p.Glu2149Asp (NM_001354901.2, NM_001407453.1); and 11 more; short protein forms E2107D, E2125D, E2167D, E2236D, E2079D, E2149D, E2180D, E2198D.
Identifiers: ClinVar variation 1754534 (VCV001754534.2), dbSNP rs886059798, ClinGen allele CA16035819.

ClinVar aggregate classification (germline): Uncertain significance (1 of 4 stars; one submission).

Conditions:
Hereditary cancer-predisposing syndrome. Also called: Neoplastic Syndromes, Hereditary; Tumor predisposition; Hereditary Cancer Syndrome; Hereditary neoplastic syndrome. Identifiers: Orphanet 140162, MedGen C0027672, MeSH D009386, MONDO:0015356.

Submission:

Ambry Genetics
Classification: Uncertain significance for Hereditary cancer-predisposing syndrome. Last evaluated: 2020-02-29. Review status: criteria provided, single submitter. Criteria: Ambry Variant Classification Scheme 2023. Collection method: clinical testing. Allele origin: germline.
Comment: The p.E2208D variant (also known as c.6624A>C), located in coding exon 15 of the APC gene, results from an A to C substitution at nucleotide position 6624. The glutamic acid at codon 2208 is replaced by aspartic acid, an amino acid with highly similar properties. This amino acid position is well conserved in available vertebrate species. In addition, in silico predictors for this gene do not accurately predict pathogenicity. Since supporting evidence is limited at this time, the clinical significance of this alteration remains unclear.